The following is an entry in ClinVar:

NM_016026.4(RDH11):c.436A>G (p.Ile146Val)

Genes: GPHN (gephyrin; plus strand), RDH11 (retinol dehydrogenase 11; minus strand). Cytogenetic location: 14q24.1.
Variant type: single nucleotide variant.
Coding change: c.436A>G on transcript NM_016026.4 (MANE Select); coding-DNA position 436, A replaced by G.
Protein change: p.Ile146Val; replaces isoleucine 146 with valine.
Molecular consequence: missense variant.
Genome position (GRCh38, 1-based): chr14:67,691,158, T>C on the plus strand (A>G on the coding strand, the complement: RDH11 is on the minus strand). VCF-style: chr14-67691158-T-C. GRCh37 (hg19) VCF-style: chr14-68157875-T-C.
Other names: c.436A>G, p.Ile146Val (NM_001252650.2); c.436A>G (NM_016026.3); short protein forms I146V.
Identifiers: ClinVar variation 1464811 (VCV001464811.7), dbSNP rs751079666, ClinGen allele CA7238398.

ClinVar aggregate classification (germline): Uncertain significance. Review status: criteria provided, multiple submitters, no conflicts (2 of 4 stars). 2 submissions from 2 submitters: Uncertain significance (2). Last evaluated 2024-12-02.

Allele frequency attached by ClinVar (database versions not stated): gnomAD 0.00001; ExAC 0.00002; gnomAD exomes 0.00002.
gnomAD v4.1: 16 of 1,613,268 alleles (0.00099%); highest among the groups gnomAD compares: Non-Finnish European, 0.00051%; no homozygotes.

Submissions (2):

Labcorp Genetics (formerly Invitae), Labcorp
Classification: Uncertain significance. Last evaluated: 2024-12-02. Review status: criteria provided, single submitter. Criteria: Invitae Variant Classification Sherloc (09022015). Collection method: clinical testing. Allele origin: germline.
Comment: This sequence change replaces isoleucine, which is neutral and non-polar, with valine, which is neutral and non-polar, at codon 146 of the RDH11 protein (p.Ile146Val). This variant is present in population databases (rs751079666, gnomAD 0.02%). This variant has not been reported in the literature in individuals affected with RDH11-related conditions. ClinVar contains an entry for this variant (Variation ID: 1464811). An algorithm developed to predict the effect of missense changes on protein structure and function (PolyPhen-2) suggests that this variant is likely to be tolerated. In summary, the available evidence is currently insufficient to determine the role of this variant in disease. Therefore, it has been classified as a Variant of Uncertain Significance.

Ambry Genetics
Classification: Uncertain significance. Last evaluated: 2022-10-04. Review status: criteria provided, single submitter. Criteria: Ambry Variant Classification Scheme 2023. Collection method: clinical testing. Allele origin: germline.